The following is an entry in ClinVar:

ClinVar aggregate classification (germline): Uncertain significance (0 of 4 stars; one submission).

Submission:

ISCA site 1
Classification: Uncertain significance. Last evaluated: 2011-05-06. Review status: no assertion criteria provided. Collection method: clinical testing. Allele origin: maternal. Affected: yes. Observed: 1 variant allele.
Comment: Copy number variation identified through the course of routine clinical cytogenomic testing in postnatal populations. Clinical assertions have been curated as described in Kaminsky et al. 2011.

Copy number variation identified through the course of routine clinical cytogenomic testing in postnatal populations. Clinical assertions have been curated as described in Kaminsky, et al. 2011 (PubMed 21844811). For additional ClinGen data, please see nstd37.

GRCh38/hg38 9p24.3(chr9:381430-839211)x3

Genes: DOCK8 (dedicator of cytokinesis 8; plus strand), KANK1 (KN motif and ankyrin repeat domains 1; plus strand), KANK1-AS1 (KANK1 antisense RNA 1; minus strand), LOC124210605 (Sharpr-MPRA regulatory region 15053; plus strand), LOC126860553 (BRD4-independent group 4 enhancer GRCh37_chr9:621337-622536; plus strand) and 5 more. Cytogenetic location: 9p24.3.
Variant type: copy number gain.
Change: copy number 3 (three copies instead of two) of chr9:381,430-839,211 (457.8 kb, GRCh38 coordinates, 1-based), cytogenetic band 9p24.3.
Identifiers: ClinVar variation 146419 (VCV000146419.2).